The following is an entry in ClinVar:

ClinVar aggregate classification (germline): Likely benign (0 of 4 stars; one submission).

Conditions:
PTPRF-related disorder. Also called: PTPRF-related condition.

Allele frequency attached by ClinVar (database versions not stated): ExAC 0.00001; gnomAD 0.00002; gnomAD exomes 0.00002; TOPMed 0.00002.
gnomAD v4.1: 32 of 1,613,538 alleles (0.002%); highest among the groups gnomAD compares: Non-Finnish European, 0.0025%; no homozygotes.

Submission:

PreventionGenetics, part of Exact Sciences
Classification: Likely benign for PTPRF-related condition. Last evaluated: 2019-08-27. Review status: no assertion criteria provided. Collection method: clinical testing. Allele origin: germline.
Comment: This variant is classified as likely benign based on ACMG/AMP sequence variant interpretation guidelines (Richards et al. 2015 PMID: 25741868, with internal and published modifications).

NM_002840.5(PTPRF):c.3132T>C (p.Phe1044=)

Gene: PTPRF (protein tyrosine phosphatase receptor type F; plus strand). Cytogenetic location: 1p34.2.
Variant type: single nucleotide variant.
Coding change: c.3132T>C on transcript NM_002840.5 (MANE Select); coding-DNA position 3132, T replaced by C.
Protein change: p.Phe1044=; no amino-acid change (phenylalanine 1044 retained).
Molecular consequence: synonymous variant.
Genome position (GRCh38, 1-based): chr1:43,604,997, T>C. VCF-style: chr1-43604997-T-C. GRCh37 (hg19) VCF-style: chr1-44070668-T-C.
Other names: c.2265T>C, p.Phe755= (NM_001329137.2); c.2277T>C, p.Phe759= (NM_001329138.2); c.2247T>C, p.Phe749= (NM_001329139.2); c.2220T>C, p.Phe740= (NM_001329140.2); c.3105T>C, p.Phe1035= (NM_130440.4).
Identifiers: ClinVar variation 3053366 (VCV003053366.2), dbSNP rs781567773, ClinGen allele CA812680.
Genomic context (GRCh38, chr1:43,604,997, plus strand): 5'-GAAGACGTCTGTGCTGCTCAGCTGGGAGGTTCCCGACTCCTATAAGTCAGCTGTGCCCTT[T>C]AAGGTGAGTAAGGGCCACGGCCAGCTGAGCCTGGCACACACACAGGCCTGCTGGGTGCTG-3'
Protein context (NP_002831.2, residues 1034-1054): VPDSYKSAVP[Phe1044=]KILYNGQSVE